The following is an entry in ClinVar:

NM_014804.3(KIAA0753):c.2818G>A (p.Gly940Ser)

Gene: KIAA0753 (KIAA0753; minus strand). Cytogenetic location: 17p13.1.
Variant type: single nucleotide variant.
Coding change: c.2818G>A on transcript NM_014804.3 (MANE Select); coding-DNA position 2818, G replaced by A.
Protein change: p.Gly940Ser; replaces glycine 940 with serine.
Molecular consequence: missense variant. On other transcripts: non-coding transcript variant (3).
Genome position (GRCh38, 1-based): chr17:6,579,833, C>T on the plus strand (G>A on the coding strand, the complement: KIAA0753 is on the minus strand). VCF-style: chr17-6579833-C-T. GRCh37 (hg19) VCF-style: chr17-6483153-C-T.
Other names: c.1921G>A, p.Gly641Ser (NM_001351225.2); short protein forms G940S, G641S.
Identifiers: ClinVar variation 2110201 (VCV002110201.4), dbSNP rs2544207988, ClinGen allele CA397408092.

ClinVar aggregate classification (germline): Uncertain significance (1 of 4 stars; one submission).

Submission:

Labcorp Genetics (formerly Invitae), Labcorp
Classification: Uncertain significance. Last evaluated: 2022-03-12. Review status: criteria provided, single submitter. Criteria: Invitae Variant Classification Sherloc (09022015). Collection method: clinical testing. Allele origin: germline.
Comment: In summary, the available evidence is currently insufficient to determine the role of this variant in disease. Therefore, it has been classified as a Variant of Uncertain Significance. Algorithms developed to predict the effect of missense changes on protein structure and function are either unavailable or do not agree on the potential impact of this missense change (SIFT: "Tolerated"; PolyPhen-2: "Probably Damaging"; Align-GVGD: "Class C0"). This variant has not been reported in the literature in individuals affected with KIAA0753-related conditions. This variant is not present in population databases (gnomAD no frequency). This sequence change replaces glycine, which is neutral and non-polar, with serine, which is neutral and polar, at codon 940 of the KIAA0753 protein (p.Gly940Ser).